The following is an entry in ClinVar:

NM_024675.4(PALB2):c.295dup (p.Thr99fs)

Gene: PALB2 (partner and localizer of BRCA2; minus strand). Cytogenetic location: 16p12.2.
Variant type: Duplication.
Coding change: c.295dup on transcript NM_024675.4 (MANE Select); coding-DNA position 295, one base duplicated (A; older notation c.295dupA).
Protein change: p.Thr99fs; shifts the reading frame from threonine 99.
Molecular consequence: frameshift variant. On other transcripts: 5 prime UTR variant (8), intron variant (3).
Genome position (GRCh38, 1-based): chr16:23,636,251, T duplicated on the plus strand (A on the coding strand, the reverse complement: PALB2 is on the minus strand). VCF-style (leftmost placement, unchanged base first): chr16-23636250-G-GT. GRCh37 (hg19) VCF-style: chr16-23647571-G-GT.
Other names: c.235dup, p.Thr79fs (NM_001407296.1); c.295dup, p.Thr99fs (NM_001407297.1, NM_001407298.1, NM_001407299.1 and 3 more transcripts); c.-591dup (NM_001407304.1, NM_001407305.1, NM_001407306.1 and 5 more transcripts); c.48+4859dup (NM_001407314.1); c.-105+4859dup (NM_001407313.1, NM_001407312.1); short protein forms T79fs, T99fs.
Identifiers: ClinVar variation 2573312 (VCV002573312.4), dbSNP rs2506517377, ClinGen allele CA2580612749.

ClinVar aggregate classification (germline): Pathogenic. Review status: criteria provided, multiple submitters, no conflicts (2 of 4 stars). 2 submissions from 2 submitters: Pathogenic (2). Last evaluated 2024-11-25.

Conditions:
Familial cancer of breast. Also called: hereditary breast carcinoma; Hereditary breast cancer; BREAST CANCER, FAMILIAL. Identifiers: Orphanet 227535, MedGen C0346153, MONDO:0016419, OMIM 114480. Disease mechanism: loss of function.

Submissions (2):

Labcorp Genetics (formerly Invitae), Labcorp
Classification: Pathogenic for Familial cancer of breast. Last evaluated: 2024-11-25. Review status: criteria provided, single submitter. Criteria: Invitae Variant Classification Sherloc (09022015). Collection method: clinical testing. Allele origin: germline.
Comment: This sequence change creates a premature translational stop signal (p.Thr99Asnfs*3) in the PALB2 gene. It is expected to result in an absent or disrupted protein product. Loss-of-function variants in PALB2 are known to be pathogenic (PMID: 17200668, 17200671, 17200672, 24136930, 25099575). This variant is not present in population databases (gnomAD no frequency). This variant has not been reported in the literature in individuals affected with PALB2-related conditions. ClinVar contains an entry for this variant (Variation ID: 2573312). For these reasons, this variant has been classified as Pathogenic.

Myriad Genetics, Inc.
Classification: Pathogenic for Familial cancer of breast. Last evaluated: 2023-02-09. Review status: criteria provided, single submitter. Criteria: Myriad Autosomal Dominant, Autosomal Recessive and X-Linked Classification Criteria (2023). Collection method: clinical testing. Allele origin: unknown.
Comment: This variant is considered pathogenic. This variant creates a frameshift predicted to result in premature protein truncation.

Literature cited by the submitters: PubMed 17200668 (cited by Labcorp Genetics (formerly Invitae), Labcorp); PubMed 17200671 (cited by Labcorp Genetics (formerly Invitae), Labcorp); PubMed 17200672 (cited by Labcorp Genetics (formerly Invitae), Labcorp); PubMed 24136930 (cited by Labcorp Genetics (formerly Invitae), Labcorp); PubMed 25099575 (cited by Labcorp Genetics (formerly Invitae), Labcorp).